The following is an entry in ClinVar:

NM_001366521.1(ATP2B1):c.1969G>C (p.Ala657Pro)

Gene: ATP2B1 (ATPase plasma membrane Ca2+ transporting 1; minus strand). Cytogenetic location: 12q21.33.
Variant type: single nucleotide variant.
Coding change: c.1969G>C on transcript NM_001366521.1 (MANE Select); coding-DNA position 1969, G replaced by C.
Protein change: p.Ala657Pro; replaces alanine 657 with proline.
Molecular consequence: missense variant. On other transcripts: non-coding transcript variant (3).
Genome position (GRCh38, 1-based): chr12:89,616,900, C>G on the plus strand (G>C on the coding strand, the complement: ATP2B1 is on the minus strand). VCF-style: chr12-89616900-C-G. GRCh37 (hg19) VCF-style: chr12-90010677-C-G.
Other names: c.1969G>C, p.Ala657Pro (NM_001001323.2, NM_001366520.1, NM_001366522.1 and 12 more transcripts); c.1771G>C, p.Ala591Pro (NM_001366530.1, NM_001413053.1); c.1408G>C, p.Ala470Pro (NM_001366531.1, NM_001366532.1, NM_001413058.1 and 2 more transcripts); c.1930G>C, p.Ala644Pro (NM_001413048.1); c.1828G>C, p.Ala610Pro (NM_001413051.1, NM_001413052.1, NM_001413055.1); c.1726G>C, p.Ala576Pro (NM_001413054.1); c.1714G>C, p.Ala572Pro (NM_001413056.1); c.1516G>C, p.Ala506Pro (NM_001413057.1); short protein forms A470P, A506P, A572P, A576P, A591P, A610P, A644P, A657P.
Identifiers: ClinVar variation 3899437 (VCV003899437.1).

ClinVar aggregate classification (germline): Uncertain significance (1 of 4 stars; one submission).

gnomAD v4.1: 1 of 1,614,090 alleles (0.000062%); highest among the groups gnomAD compares: Non-Finnish European, 0.000085%; no homozygotes.

Submission:

GeneDx
Classification: Uncertain significance. Last evaluated: 2024-11-19. Review status: criteria provided, single submitter. Criteria: GeneDx Variant Classification Process June 2021. Collection method: clinical testing. Allele origin: germline. Affected: yes.
Comment: Not observed at significant frequency in large population cohorts (gnomAD); In silico analysis indicates that this missense variant does not alter protein structure/function; Has not been previously published as pathogenic or benign to our knowledge